The following is an entry in ClinVar:

NM_002878.4(RAD51D):c.85G>T (p.Val29Leu)

Genes: RAD51D (RAD51 paralog D; minus strand), RAD51L3-RFFL (RAD51L3-RFFL readthrough; minus strand). Cytogenetic location: 17q12.
Variant type: single nucleotide variant.
Coding change: c.85G>T on transcript NM_002878.4 (MANE Select); coding-DNA position 85, G replaced by T.
Protein change: p.Val29Leu; replaces valine 29 with leucine.
Molecular consequence: missense variant. On other transcripts: non-coding transcript variant (2).
Genome position (GRCh38, 1-based): chr17:35,119,170, C>A on the plus strand (G>T on the coding strand, the complement: RAD51D is on the minus strand). VCF-style: chr17-35119170-C-A. GRCh37 (hg19) VCF-style: chr17-33446189-C-A.
Other names: c.85G>T, p.Val29Leu (NM_001142571.2, NM_133629.3); short protein forms V29L.
Identifiers: ClinVar variation 1470658 (VCV001470658.8), dbSNP rs1555570422, ClinGen allele CA399092036.

ClinVar aggregate classification (germline): Uncertain significance (1 of 4 stars; one submission).

Conditions:
Breast-ovarian cancer, familial, susceptibility to, 4. Identifiers: Orphanet 145, MedGen C3280345, MONDO:0013669, OMIM 614291.

Submission:

Labcorp Genetics (formerly Invitae), Labcorp
Classification: Uncertain significance for Breast-ovarian cancer, familial, susceptibility to, 4. Last evaluated: 2024-02-20. Review status: criteria provided, single submitter. Criteria: Invitae Variant Classification Sherloc (09022015). Collection method: clinical testing. Allele origin: germline.
Comment: This sequence change replaces valine, which is neutral and non-polar, with leucine, which is neutral and non-polar, at codon 29 of the RAD51D protein (p.Val29Leu). This variant is not present in population databases (gnomAD no frequency). This variant has not been reported in the literature in individuals affected with RAD51D-related conditions. ClinVar contains an entry for this variant (Variation ID: 1470658). An algorithm developed to predict the effect of missense changes on protein structure and function (PolyPhen-2) suggests that this variant is likely to be tolerated. In summary, the available evidence is currently insufficient to determine the role of this variant in disease. Therefore, it has been classified as a Variant of Uncertain Significance.